The following is an entry in ClinVar:

NM_014845.6(FIG4):c.2018T>A (p.Ile673Asn)

Gene: FIG4 (FIG4 phosphoinositide 5-phosphatase; plus strand). Cytogenetic location: 6q21.
Variant type: single nucleotide variant.
Coding change: c.2018T>A on transcript NM_014845.6 (MANE Select); coding-DNA position 2018, T replaced by A.
Protein change: p.Ile673Asn; replaces isoleucine 673 with asparagine.
Molecular consequence: missense variant.
Genome position (GRCh38, 1-based): chr6:109,786,371, T>A. VCF-style: chr6-109786371-T-A. GRCh37 (hg19) VCF-style: chr6-110107574-T-A.
Other names: short protein forms I673N.
Identifiers: ClinVar variation 930472 (VCV000930472.10), dbSNP rs774499394, ClinGen allele CA3956262.
Genomic context (GRCh38, chr6:109,786,371, plus strand): 5'-CTGTGAACTTAAAGAAGTTGATAGTGAAGAAATTCCACAAATATGAAGAAGAGATTGATA[T>A]CCACAATGAGTTCTTTCGGCCATATGAGTTGAGCAGCTTTGATGATACCTTTTGCTTGGC-3'
Protein context (NP_055660.1, residues 663-683): KFHKYEEEID[Ile673Asn]HNEFFRPYEL

ClinVar aggregate classification (germline): Uncertain significance. Review status: criteria provided, multiple submitters, no conflicts (2 of 4 stars). 2 submissions from 2 submitters: Uncertain significance (2). Last evaluated 2022-07-17.

Conditions:
Yunis-Varon syndrome (YVS). Also called: Cleidocranial dysplasia, micrognathia, absent thumbs, & distal aphalangia. Identifiers: Orphanet 3472, MedGen C1857663, MONDO:0008995, OMIM 216340.
Charcot-Marie-Tooth disease type 4. Also called: Charcot-Marie-Tooth disease, type IV; Charcot-Marie-Tooth, Type 4. Identifiers: Orphanet 64749, MedGen C4082197, MONDO:0018995.

Allele frequency attached by ClinVar (database versions not stated): TOPMed below 0.00001; ExAC 0.00001; gnomAD 0.00001; gnomAD exomes 0.00001.
gnomAD v4.1: 6 of 1,613,758 alleles (0.00037%); highest among the groups gnomAD compares: Admixed American, 0.0017%; no homozygotes.

Submissions (2):

Labcorp Genetics (formerly Invitae), Labcorp
Classification: Uncertain significance for Charcot-Marie-Tooth disease type 4. Last evaluated: 2022-07-17. Review status: criteria provided, single submitter. Criteria: Invitae Variant Classification Sherloc (09022015). Collection method: clinical testing. Allele origin: germline.
Comment: In summary, the available evidence is currently insufficient to determine the role of this variant in disease. Therefore, it has been classified as a Variant of Uncertain Significance. Algorithms developed to predict the effect of missense changes on protein structure and function (SIFT, PolyPhen-2, Align-GVGD) all suggest that this variant is likely to be tolerated. ClinVar contains an entry for this variant (Variation ID: 930472). This variant has not been reported in the literature in individuals affected with FIG4-related conditions. This variant is present in population databases (rs774499394, gnomAD 0.002%). This sequence change replaces isoleucine, which is neutral and non-polar, with asparagine, which is neutral and polar, at codon 673 of the FIG4 protein (p.Ile673Asn).

Centre for Mendelian Genomics, University Medical Centre Ljubljana
Classification: Uncertain significance for Yunis-Varon syndrome. Last evaluated: 2019-08-29. Review status: criteria provided, single submitter. Criteria: ACMG Guidelines, 2015. Collection method: clinical testing. Allele origin: unknown. Affected: yes.
Comment: This variant was classified as: Uncertain significance. The available evidence on this variant's pathogenicity is insufficient or conflicting. The following ACMG criteria were applied in classifying this variant: PP3.